The following is an entry in ClinVar:

ClinVar aggregate classification (germline): Likely benign. Review status: criteria provided, multiple submitters, no conflicts (2 of 4 stars). 6 submissions from 6 submitters: Likely benign (5). 1 of the submissions does not count toward it. Last evaluated 2026-02-01.

Conditions:
CALM3-related disorder. Also called: CALM3-related condition.
Long QT syndrome 1 (LQT1). Identifiers: Orphanet 101016, Orphanet 768, MedGen C4551647, MONDO:0100316, OMIM 192500, MONDO:0008646.
Cardiovascular phenotype. Identifiers: MedGen CN230736.

Allele frequency attached by ClinVar (database versions not stated): gnomAD exomes 0.00006; ExAC 0.00008; TOPMed 0.00011; gnomAD 0.00014 and 0.00015; ESP Exome Variant Server 0.00015; 1000 Genomes Project 30x 0.00031; 1000 Genomes Project 0.00040.
gnomAD v4.1: 81 of 1,583,336 alleles (0.0051%); highest among the groups gnomAD compares: Middle Eastern, 0.053%; no homozygotes.

Submissions (6):

Labcorp Genetics (formerly Invitae), Labcorp
Classification: Likely benign for Long QT syndrome 1. Last evaluated: 2026-02-01. Review status: criteria provided, single submitter. Criteria: Invitae Variant Classification Sherloc (09022015). Collection method: clinical testing. Allele origin: germline.

Blueprint Genetics
Classification: Likely benign. Last evaluated: 2024-07-29. Review status: criteria provided, single submitter. Criteria: ACMG Guidelines, 2015. Collection method: clinical testing. Allele origin: germline.

CeGaT Center for Human Genetics Tuebingen
Classification: Likely benign. Last evaluated: 2023-04-01. Review status: criteria provided, single submitter. Criteria: CeGaT Center For Human Genetics Tuebingen Variant Classification Criteria Version 2. Collection method: clinical testing. Allele origin: germline. Affected: yes. Observed: 1 variant allele.
Comment: CALM3: BP4, BP7

Ambry Genetics
Classification: Likely benign for Cardiovascular phenotype. Last evaluated: 2022-05-30. Review status: criteria provided, single submitter. Criteria: Ambry Variant Classification Scheme 2023. Collection method: clinical testing. Allele origin: germline.

GeneDx
Classification: Likely benign. Last evaluated: 2020-01-07. Review status: criteria provided, single submitter. Criteria: GeneDx Variant Classification Process June 2021. Collection method: clinical testing. Allele origin: germline. Affected: yes.

PreventionGenetics, part of Exact Sciences
Classification: Likely benign for CALM3-related condition. Last evaluated: 2021-10-25. Review status: no assertion criteria provided. Collection method: clinical testing. Allele origin: germline. Not counted in ClinVar's aggregate classification.
Comment: This variant is classified as likely benign based on ACMG/AMP sequence variant interpretation guidelines (Richards et al. 2015 PMID: 25741868, with internal and published modifications).

NM_005184.4(CALM3):c.309C>T (p.Ala103=)

Gene: CALM3 (calmodulin 3; plus strand). Cytogenetic location: 19q13.32.
Variant type: single nucleotide variant.
Coding change: c.309C>T on transcript NM_005184.4 (MANE Select); coding-DNA position 309, C replaced by T.
Protein change: p.Ala103=; no amino-acid change (alanine 103 retained).
Molecular consequence: synonymous variant.
Genome position (GRCh38, 1-based): chr19:46,608,869, C>T. VCF-style: chr19-46608869-C-T. GRCh37 (hg19) VCF-style: chr19-47112126-C-T.
Other names: c.201C>T, p.Ala67= (NM_001329921.1, NM_001329923.1, NM_001329924.2 and 2 more transcripts); c.309C>T, p.Ala103= (NM_001329922.1); c.309C>T (NM_005184.3).
Identifiers: ClinVar variation 458196 (VCV000458196.41), dbSNP rs200095251, ClinGen allele CA9529819.